The following is an entry in ClinVar:

NM_003002.4(SDHD):c.431A>T (p.Tyr144Phe)

Gene: SDHD (succinate dehydrogenase complex subunit D; plus strand). Cytogenetic location: 11q23.1.
Variant type: single nucleotide variant.
Coding change: c.431A>T on transcript NM_003002.4 (MANE Select); coding-DNA position 431, A replaced by T.
Protein change: p.Tyr144Phe; replaces tyrosine 144 with phenylalanine.
Molecular consequence: missense variant. On other transcripts: 3 prime UTR variant (2), non-coding transcript variant (1).
Genome position (GRCh38, 1-based): chr11:112,094,921, A>T. VCF-style: chr11-112094921-A-T. GRCh37 (hg19) VCF-style: chr11-111965645-A-T.
Other names: c.*28A>T (NM_001276503.2); c.314A>T, p.Tyr105Phe (NM_001276504.2); c.*129A>T (NM_001276506.2); c.431A>T (NM_003002.2); short protein forms Y105F, Y144F.
Identifiers: ClinVar variation 1430208 (VCV001430208.9), dbSNP rs745732631, ClinGen allele CA071391.
Genomic context (GRCh38, chr11:112,094,921, plus strand): 5'-CCAAGGCAGGGCTTTTGGCACTTTCAGCTTTAACCTTTGCTGGGCTTTGCTATTTCAACT[A>T]TCACGATGTGGGCATCTGCAAAGCTGTTGCCATGCTGTGGAAGCTCTGACCTTTTTGACT-3'
Protein context (NP_002993.1, residues 134-154): LTFAGLCYFN[Tyr144Phe]HDVGICKAVA

ClinVar aggregate classification (germline): Uncertain significance. Review status: criteria provided, multiple submitters, no conflicts (2 of 4 stars). 2 submissions from 2 submitters: Uncertain significance (2). Last evaluated 2025-12-14.

Conditions:
Hereditary cancer-predisposing syndrome. Also called: Hereditary Cancer Syndrome; Hereditary neoplastic syndrome; Neoplastic Syndromes, Hereditary; Tumor predisposition. Identifiers: Orphanet 140162, MedGen C0027672, MeSH D009386, MONDO:0015356.
Pheochromocytoma. Also called: MAX-Related Hereditary Paraganglioma-Pheochromocytoma Syndrome. Identifiers: Orphanet 29072, MedGen C0031511, MONDO:0008233, OMIM 171300, HP:0002666.
Cowden syndrome 3 (CWS3). Identifiers: Orphanet 201, MedGen CN166604, MONDO:0014045.
Carney-Stratakis syndrome. Also called: PARAGANGLIOMA AND GASTROINTESTINAL STROMAL TUMOR. Identifiers: Orphanet 97286, MedGen C1847319, MONDO:0011740, OMIM 606864.
Paragangliomas with sensorineural hearing loss. Identifiers: MedGen C1868633.

Allele frequency attached by ClinVar (database versions not stated): ExAC 0.00002.
gnomAD v4.1: 1 of 1,611,404 alleles (0.000062%); highest among the groups gnomAD compares: East Asian, 0.0022%; no homozygotes.

Submissions (2):

Labcorp Genetics (formerly Invitae), Labcorp
Classification: Uncertain significance for Carney-Stratakis syndrome; Paragangliomas with sensorineural hearing loss; Pheochromocytoma; Cowden syndrome 3. Last evaluated: 2025-12-14. Review status: criteria provided, single submitter. Criteria: Invitae Variant Classification Sherloc (09022015). Collection method: clinical testing. Allele origin: germline.
Comment: This sequence change replaces tyrosine, which is neutral and polar, with phenylalanine, which is neutral and non-polar, at codon 144 of the SDHD protein (p.Tyr144Phe). This variant is present in population databases (rs745732631, gnomAD 0.006%). This variant has not been reported in the literature in individuals affected with SDHD-related conditions. ClinVar contains an entry for this variant (Variation ID: 1430208). Invitae Evidence Modeling of protein sequence and biophysical properties (such as structural, functional, and spatial information, amino acid conservation, physicochemical variation, residue mobility, and thermodynamic stability) indicates that this missense variant is not expected to disrupt SDHD protein function with a negative predictive value of 80%. In summary, the available evidence is currently insufficient to determine the role of this variant in disease. Therefore, it has been classified as a Variant of Uncertain Significance.

Ambry Genetics
Classification: Uncertain significance for Hereditary cancer-predisposing syndrome. Last evaluated: 2023-12-22. Review status: criteria provided, single submitter. Criteria: Ambry Variant Classification Scheme 2023. Collection method: clinical testing. Allele origin: germline.
Comment: The p.Y144F variant (also known as c.431A>T), located in coding exon 4 of the SDHD gene, results from an A to T substitution at nucleotide position 431. The tyrosine at codon 144 is replaced by phenylalanine, an amino acid with highly similar properties. This amino acid position is conserved. In addition, this alteration is predicted to be deleterious by in silico analysis. Since supporting evidence is limited at this time, the clinical significance of this alteration remains unclear.